The following is an entry in ClinVar:

ClinVar aggregate classification (germline): Uncertain significance (1 of 4 stars; one submission).

Conditions:
Cardiovascular phenotype. Identifiers: MedGen CN230736.

Submission:

Ambry Genetics
Classification: Uncertain significance for Cardiovascular phenotype. Last evaluated: 2025-06-30. Review status: criteria provided, single submitter. Criteria: Ambry Variant Classification Scheme 2023. Collection method: clinical testing. Allele origin: germline.
Comment: The p.E105D variant (also known as c.315G>C), located in coding exon 2 of the TBX20 gene, results from a G to C substitution at nucleotide position 315. The glutamic acid at codon 105 is replaced by aspartic acid, an amino acid with highly similar properties. This amino acid position is conserved. In addition, the in silico prediction for this alteration is inconclusive. Based on the available evidence, the clinical significance of this variant remains unclear.

NM_001077653.2(TBX20):c.315G>C (p.Glu105Asp)

Gene: TBX20 (T-box transcription factor 20; minus strand). Cytogenetic location: 7p14.2.
Variant type: single nucleotide variant.
Coding change: c.315G>C on transcript NM_001077653.2 (MANE Select); coding-DNA position 315, G replaced by C.
Protein change: p.Glu105Asp; replaces glutamic acid 105 with aspartic acid.
Molecular consequence: missense variant.
Genome position (GRCh38, 1-based): chr7:35,250,016, C>G on the plus strand (G>C on the coding strand, the complement: TBX20 is on the minus strand). VCF-style: chr7-35250016-C-G. GRCh37 (hg19) VCF-style: chr7-35289628-C-G.
Other names: c.315G>C, p.Glu105Asp (NM_001166220.1); short protein forms E105D.
Identifiers: ClinVar variation 4181263 (VCV004181263.1).